The following is an entry in ClinVar:

NM_001367624.2(ZNF469):c.4778C>T (p.Ser1593Leu)

Gene: ZNF469 (zinc finger protein 469; plus strand). Cytogenetic location: 16q24.2.
Variant type: single nucleotide variant.
Coding change: c.4778C>T on transcript NM_001367624.2 (MANE Select); coding-DNA position 4778, C replaced by T.
Protein change: p.Ser1593Leu; replaces serine 1593 with leucine.
Molecular consequence: missense variant.
Genome position (GRCh38, 1-based): chr16:88,432,248, C>T. VCF-style: chr16-88432248-C-T. GRCh37 (hg19) VCF-style: chr16-88498656-C-T.
Other names: short protein forms S1593L.
Identifiers: ClinVar variation 320928 (VCV000320928.50), dbSNP rs768864900, ClinGen allele CA8225005.

ClinVar aggregate classification (germline): Conflicting classifications of pathogenicity. Review status: criteria provided, conflicting classifications (1 of 4 stars). 3 submissions from 3 submitters: Uncertain significance (2); Likely benign (1). Last evaluated 2024-03-10.

Conditions:
Cardiovascular phenotype. Identifiers: MedGen CN230736.

Allele frequency attached by ClinVar (database versions not stated): gnomAD exomes 0.00002 and 0.00003; gnomAD 0.00003; TOPMed 0.00003; ExAC 0.00006.
gnomAD v4.1: 37 of 1,548,554 alleles (0.0024%); highest among the groups gnomAD compares: Non-Finnish European, 0.0029%; no homozygotes.

Submissions (3):

Ambry Genetics
Classification: Uncertain significance for Cardiovascular phenotype. Last evaluated: 2024-03-10. Review status: criteria provided, single submitter. Criteria: Ambry Variant Classification Scheme 2023. Collection method: clinical testing. Allele origin: germline.
Comment: The p.S1565L variant (also known as c.4694C>T), located in coding exon 2 of the ZNF469 gene, results from a C to T substitution at nucleotide position 4694. The serine at codon 1565 is replaced by leucine, an amino acid with dissimilar properties. This amino acid position is conserved. In addition, this alteration is predicted to be tolerated by in silico analysis. Based on the available evidence, the clinical significance of this alteration remains unclear.

Labcorp Genetics (formerly Invitae), Labcorp
Classification: Uncertain significance. Last evaluated: 2022-08-16. Review status: criteria provided, single submitter. Criteria: Invitae Variant Classification Sherloc (09022015). Collection method: clinical testing. Allele origin: germline.
Comment: This sequence change replaces serine, which is neutral and polar, with leucine, which is neutral and non-polar, at codon 1565 of the ZNF469 protein (p.Ser1565Leu). This variant is present in population databases (rs768864900, gnomAD 0.006%). This variant has not been reported in the literature in individuals affected with ZNF469-related conditions. ClinVar contains an entry for this variant (Variation ID: 320928). Algorithms developed to predict the effect of missense changes on protein structure and function (SIFT, PolyPhen-2, Align-GVGD) all suggest that this variant is likely to be tolerated. In summary, the available evidence is currently insufficient to determine the role of this variant in disease. Therefore, it has been classified as a Variant of Uncertain Significance.

CeGaT Center for Human Genetics Tuebingen
Classification: Likely benign. Last evaluated: 2016-10-01. Review status: criteria provided, single submitter. Criteria: CeGaT Center For Human Genetics Tuebingen Variant Classification Criteria Version 2. Collection method: clinical testing. Allele origin: germline. Affected: yes. Observed: 1 variant allele.